The following is an entry in ClinVar:

ClinVar aggregate classification (germline): Pathogenic. Review status: criteria provided, multiple submitters, no conflicts (2 of 4 stars). 2 submissions from 2 submitters: Pathogenic (2). Last evaluated 2023-11-16.

Conditions:
Inborn genetic diseases. Identifiers: MedGen C0950123, MeSH D030342.
Congenital cataract-progressive muscular hypotonia-hearing loss-developmental delay syndrome. Also called: Myopathy with cataract and combined respiratory-chain deficiency; MITOCHONDRIAL COMPLEX DEFICIENCY, COMBINED. Identifiers: Orphanet 330054, MedGen C2751320, MONDO:0013116, OMIM 613076.

Allele frequency attached by ClinVar (database versions not stated): ExAC 0.00001; gnomAD 0.00002; TOPMed 0.00003; ESP Exome Variant Server 0.00008.

Submissions (2):

Women's Health and Genetics/Laboratory Corporation of America, LabCorp
Classification: Pathogenic for Congenital cataract-progressive muscular hypotonia-hearing loss-developmental delay syndrome. Last evaluated: 2023-11-16. Review status: criteria provided, single submitter. Criteria: LabCorp Variant Classification Summary - May 2015. Collection method: clinical testing. Allele origin: germline.
Comment: Variant summary: GFER c.566C>G (p.Ser189X) results in a premature termination codon, predicted to cause a truncation of the encoded protein, which is a known mechanism for disease. While this variant is not expected to result in nonsense mediated decay, it is predicted to disrupt the last 17 amino acids of the protein. Variants downstream of this position, such as p.Arg194His, have been reported in association with disease (HGMD database; PMIDs: 19409522, 28155230) and classified as pathogenic in ClinVar. The variant allele was found at a frequency of 2.8e-05 in 250730 control chromosomes (i.e., 7 heterozygotes, no homozygotes; gnomAD v2 Exomes dataset). The available data on variant occurrences in the general population are insufficient to allow any conclusion about variant significance. To our knowledge, no occurrence of c.566C>G in individuals affected with Congenital Cataract-Progressive Muscular Hypotonia-Hearing Loss-Developmental Delay Syndrome and no experimental evidence demonstrating its impact on protein function have been reported. One submitter has reported clinical-significance assessments for this variant to ClinVar after 2014 and has classified the variant as pathogenic. Based on the evidence outlined above, the variant was classified as pathogenic.

Ambry Genetics
Classification: Pathogenic for Inborn genetic diseases. Last evaluated: 2017-07-21. Review status: criteria provided, single submitter. Criteria: Ambry exome assertion method (8-5-2015). Collection method: clinical testing. Allele origin: germline. Affected: yes. Observed: 1 variant allele.

NM_005262.3(GFER):c.566C>G (p.Ser189Ter)

Gene: GFER (growth factor, augmenter of liver regeneration; plus strand). Cytogenetic location: 16p13.3.
Variant type: single nucleotide variant.
Coding change: c.566C>G on transcript NM_005262.3 (MANE Select); coding-DNA position 566, C replaced by G.
Protein change: p.Ser189Ter; replaces serine 189 with a stop codon.
Molecular consequence: nonsense.
Genome position (GRCh38, 1-based): chr16:1,985,976, C>G. VCF-style: chr16-1985976-C-G. GRCh37 (hg19) VCF-style: chr16-2035977-C-G.
Other names: short protein forms S189*.
Identifiers: ClinVar variation 521763 (VCV000521763.5), dbSNP rs373135339, ClinGen allele CA7826092.
Genomic context (GRCh38, chr16:1,985,976, plus strand): 5'-GGCTGTGCCACCTGCACAATGAAGTGAACCGCAAGCTGGGCAAGCCTGACTTCGACTGCT[C>G]AAAAGTGGATGAGCGCTGGCGCGACGGCTGGAAGGATGGCTCCTGTGACTAGAGGGTGGT-3'